The following is an entry in ClinVar:

ClinVar aggregate classification (germline): Conflicting classifications of pathogenicity. Review status: criteria provided, conflicting classifications (1 of 4 stars). 3 submissions from 3 submitters: Likely pathogenic (1); Uncertain significance (1). 1 of the submissions does not count toward it. Last evaluated 2025-06-10.

Conditions:
Spondylocostal dysostosis 5 (SCDO5). Also called: SCOLIOSIS, CONGENITAL, WITH OR WITHOUT RIB ANOMALIES. Identifiers: MedGen C4083048, MONDO:0007389, OMIM 122600.
TBX6-related disorder. Also called: TBX6-related condition.

Submissions (3):

Labcorp Genetics (formerly Invitae), Labcorp
Classification: Uncertain significance. Last evaluated: 2025-06-10. Review status: criteria provided, single submitter. Criteria: Invitae Variant Classification Sherloc (09022015). Collection method: clinical testing. Allele origin: germline.
Comment: This sequence change creates a premature translational stop signal (p.Arg157Profs*15) in the TBX6 gene. It is expected to result in an absent or disrupted protein product. However, the current clinical and genetic evidence is not sufficient to establish whether loss-of-function variants in TBX6 cause disease. This variant is present in population databases (rs773047088, gnomAD 0.2%), and has an allele count higher than expected for a pathogenic variant. This premature translational stop signal has been observed in individual(s) with congenital scoliosis (PMID: 30636772). ClinVar contains an entry for this variant (Variation ID: 1325178). In summary, the available evidence is currently insufficient to determine the role of this variant in disease. Therefore, it has been classified as a Variant of Uncertain Significance.

Revvity Omics, Revvity
Classification: Likely pathogenic for Spondylocostal dysostosis 5. Last evaluated: 2020-09-25. Review status: criteria provided, single submitter. Criteria: ACMG Guidelines, 2015. Collection method: clinical testing. Allele origin: germline.

PreventionGenetics, part of Exact Sciences
Classification: Uncertain significance for TBX6-related condition. Last evaluated: 2024-08-04. Review status: no assertion criteria provided. Collection method: clinical testing. Allele origin: germline. Not counted in ClinVar's aggregate classification.
Comment: The TBX6 c.466_469dupCGGC variant is predicted to result in a frameshift and premature protein termination (p.Arg157Profs*15). This variant along with a risk allele (T-C-A risk allele) of the gene was reported in an individual with congenital scoliosis, no information regarding the phase (in trans or in cis) of this variant and the risk allele was provided (reported as c.469_470insCGGC in Table 1 and Figure S4, Liu et al. 2019. PubMed ID: 30636772). This variant is reported in 0.17% of alleles in individuals of Ashkenazi Jewish descent in gnomAD. In ClinVar, this variant is interpreted as uncertain/likely pathogenic. At this time, the clinical significance of this variant is uncertain due to the absence of conclusive functional and genetic evidence.

Literature cited by the submitters: PubMed 30636772 (cited by Labcorp Genetics (formerly Invitae), Labcorp).

NM_004608.4(TBX6):c.466_469dup (p.Arg157fs)

Gene: TBX6 (T-box transcription factor 6; minus strand). Cytogenetic location: 16p11.2.
Variant type: Duplication.
Coding change: c.466_469dup on transcript NM_004608.4 (MANE Select); coding-DNA positions 466 to 469, 4 bases duplicated (CGGC; older notation c.466_469dupCGGC).
Protein change: p.Arg157fs; shifts the reading frame from arginine 157.
Molecular consequence: frameshift variant.
Genome position (GRCh38, 1-based): chr16:30,089,095-30,089,098, GCCG duplicated on the plus strand (CGGC on the coding strand, the reverse complement: TBX6 is on the minus strand); duplicating any 4 consecutive bases within chr16:30,089,095-30,089,101 gives the same sequence; the c. name uses the placement nearest the transcript's 3' end. VCF-style (leftmost placement, unchanged base first): chr16-30089094-C-CGCCG. GRCh37 (hg19) VCF-style: chr16-30100415-C-CGCCG.
Other names: c.466_469dupCGGC (NM_004608.3); short protein forms R157fs.
Identifiers: ClinVar variation 1325178 (VCV001325178.10), dbSNP rs773047088, ClinGen allele CA8001912.